The following is an entry in ClinVar:

ClinVar aggregate classification (germline): Uncertain significance (1 of 4 stars; one submission).

Conditions:
Autosomal recessive primary immunodeficiency with defective spontaneous natural killer cell cytotoxicity. Also called: Immunodeficiency 20. Identifiers: Orphanet 437552, MedGen C3810342, MONDO:0014313, OMIM 615707.

Submission:

Laboratorio de Genetica e Diagnostico Molecular, Hospital Israelita Albert Einstein
Classification: Uncertain significance for Autosomal recessive primary immunodeficiency with defective spontaneous natural killer cell cytotoxicity. Last evaluated: 2024-08-23. Review status: criteria provided, single submitter. Criteria: ACMG Guidelines, 2015. Collection method: clinical testing. Allele origin: germline. Affected: yes.
Comment: ACMG classification criteria: PM2 supporting, BP4 supporting

NM_000569.8(FCGR3A):c.325C>G (p.Leu109Val)

Gene: FCGR3A (Fc gamma receptor IIIa; minus strand). Cytogenetic location: 1q23.3.
Variant type: single nucleotide variant.
Coding change: c.325C>G on transcript NM_000569.8 (MANE Select); coding-DNA position 325, C replaced by G.
Protein change: p.Leu109Val; replaces leucine 109 with valine.
Molecular consequence: missense variant. On other transcripts: intron variant (1).
Genome position (GRCh38, 1-based): chr1:161,544,953, G>C on the plus strand (C>G on the coding strand, the complement: FCGR3A is on the minus strand). VCF-style: chr1-161544953-G-C. GRCh37 (hg19) VCF-style: chr1-161514743-G-C.
Other names: c.637C>G, p.Leu213Val (NM_001127592.2); c.325C>G, p.Leu109Val (NM_001127593.1, NM_001127595.2, NM_001329120.2); c.322C>G, p.Leu108Val (NM_001127596.2, NM_001386450.1); c.635-1754C>G (NM_001329122.1); short protein forms L108V, L109V, L213V.
Identifiers: ClinVar variation 3902015 (VCV003902015.1).